The following is an entry in ClinVar:

NM_000096.4(CP):c.1081T>C (p.Ser361Pro)

Gene: CP (ceruloplasmin; minus strand). Cytogenetic location: 3q25.1.
Variant type: single nucleotide variant.
Coding change: c.1081T>C on transcript NM_000096.4 (MANE Select); coding-DNA position 1081, T replaced by C.
Protein change: p.Ser361Pro; replaces serine 361 with proline.
Molecular consequence: missense variant. On other transcripts: non-coding transcript variant (1).
Genome position (GRCh38, 1-based): chr3:149,206,295, A>G on the plus strand (T>C on the coding strand, the complement: CP is on the minus strand). VCF-style: chr3-149206295-A-G. GRCh37 (hg19) VCF-style: chr3-148924082-A-G.
Other names: short protein forms S361P.
Identifiers: ClinVar variation 2802899 (VCV002802899.3), dbSNP rs746538757, ClinGen allele CA2661144.

ClinVar aggregate classification (germline): Uncertain significance (1 of 4 stars; one submission).

Conditions:
Deficiency of ferroxidase (ACEP). Also called: Aceruloplasminemia; Ceruloplasmin deficiency; Familial apoceruloplasmin deficiency; Hereditary ceruloplasmin deficiency; NEURODEGENERATION WITH BRAIN IRON ACCUMULATION 10; Deficiency of ceruloplasmin. Identifiers: Orphanet 48818, MedGen C0878682, MONDO:0011426, OMIM 604290, HP:0025498.

Allele frequency attached by ClinVar (database versions not stated): gnomAD exomes below 0.00001; ExAC 0.00001; gnomAD 0.00003.
gnomAD v4.1: 7 of 1,613,860 alleles (0.00043%); highest among the groups gnomAD compares: African/African-American, 0.004%; no homozygotes.

Submission:

Labcorp Genetics (formerly Invitae), Labcorp
Classification: Uncertain significance for Deficiency of ferroxidase. Last evaluated: 2023-03-06. Review status: criteria provided, single submitter. Criteria: Invitae Variant Classification Sherloc (09022015). Collection method: clinical testing. Allele origin: germline.
Comment: This sequence change replaces serine, which is neutral and polar, with proline, which is neutral and non-polar, at codon 361 of the CP protein (p.Ser361Pro). This variant is present in population databases (rs746538757, gnomAD 0.008%). This variant has not been reported in the literature in individuals affected with CP-related conditions. Advanced modeling of protein sequence and biophysical properties (such as structural, functional, and spatial information, amino acid conservation, physicochemical variation, residue mobility, and thermodynamic stability) performed at Invitae indicates that this missense variant is not expected to disrupt CP protein function. In summary, the available evidence is currently insufficient to determine the role of this variant in disease. Therefore, it has been classified as a Variant of Uncertain Significance.